The following is an entry in ClinVar:

NM_152424.4(AMER1):c.1721G>A (p.Arg574Gln)

Gene: AMER1 (APC membrane recruitment protein 1; minus strand). Cytogenetic location: Xq11.2.
Variant type: single nucleotide variant.
Coding change: c.1721G>A on transcript NM_152424.4 (MANE Select); coding-DNA position 1721, G replaced by A.
Protein change: p.Arg574Gln; replaces arginine 574 with glutamine.
Molecular consequence: missense variant.
Genome position (GRCh38, 1-based): chrX:64,191,566, C>T on the plus strand (G>A on the coding strand, the complement: AMER1 is on the minus strand). VCF-style: chrX-64191566-C-T. GRCh37 (hg19) VCF-style: chrX-63411446-C-T.
Other names: short protein forms R574Q.
Identifiers: ClinVar variation 133494 (VCV000133494.4), dbSNP rs587778025, ClinGen allele CA156690.
Genomic context (GRCh38, chrX:64,191,566, plus strand): 5'-TGGGCCTCCCTGGCATGAGCTTCTCGGGCACGTGCCTCCTGGGCCTCAAGCTGCTCCCGC[C>T]GAAGCTCCCAATACAACAACTGTTTCTGGATGGTCACTAGCCGTTCTTCCTCTGTCTCCA-3'
Protein context (NP_689637.3, residues 564-584): IQKQLLYWEL[Arg574Gln]REQLEAQEAR

ClinVar aggregate classification (germline): Benign. Review status: criteria provided, single submitter (1 of 4 stars). 2 submissions from 2 submitters: Benign (1). 1 of the submissions does not count toward it. Last evaluated 2025-12-08.

Allele frequency attached by ClinVar (database versions not stated): gnomAD 0.00007 and 0.00006; 1000 Genomes Project 30x 0.00021; gnomAD exomes 0.00004 and 0.00002; ExAC 0.00005; TOPMed 0.00008; 1000 Genomes Project 0.00026.
gnomAD v4.1: 33 of 1,210,871 alleles (0.0027%); highest among the groups gnomAD compares: South Asian, 0.018%; 1 homozygote.

Submissions (2):

Labcorp Genetics (formerly Invitae), Labcorp
Classification: Benign. Last evaluated: 2025-12-08. Review status: criteria provided, single submitter. Criteria: Invitae Variant Classification Sherloc (09022015). Collection method: clinical testing. Allele origin: germline.

ITMI
No classification provided. Condition: AllHighlyPenetrant. Last evaluated: 2013-09-19. Review status: no classification provided. Collection method: reference population. Allele origin: germline. Not counted in ClinVar's aggregate classification.
Comment: Please see associated publication for description of ethnicities

Literature cited by the submitters: PubMed 24728327 (cited by ITMI).